The following is an entry in ClinVar:

NM_004281.4(BAG3):c.460G>C (p.Val154Leu)

Gene: BAG3 (BAG cochaperone 3; plus strand). Cytogenetic location: 10q26.11.
Variant type: single nucleotide variant.
Coding change: c.460G>C on transcript NM_004281.4 (MANE Select); coding-DNA position 460, G replaced by C.
Protein change: p.Val154Leu; replaces valine 154 with leucine.
Molecular consequence: missense variant.
Genome position (GRCh38, 1-based): chr10:119,670,130, G>C. VCF-style: chr10-119670130-G-C. GRCh37 (hg19) VCF-style: chr10-121429642-G-C.
Other names: short protein forms V154L.
Identifiers: ClinVar variation 385215 (VCV000385215.15), dbSNP rs376198104, ClinGen allele CA16605989.
Genomic context (GRCh38, chr10:119,670,130, plus strand): 5'-TCCCAGTCACCTCTGCGGGGCATGCCAGAAACCACTCAGCCAGATAAACAGTGTGGACAG[G>C]TGGCAGCGGCGGCGGCAGCCCAGCCCCCAGCCTCCCACGGACCTGAGGTAAGGAGAGGCC-3'
Protein context (NP_004272.2, residues 144-164): TTQPDKQCGQ[Val154Leu]AAAAAAQPPA

ClinVar aggregate classification (germline): Uncertain significance. Review status: criteria provided, multiple submitters, no conflicts (2 of 4 stars). 3 submissions from 3 submitters: Uncertain significance (3). Last evaluated 2025-11-18.

Conditions:
Myofibrillar myopathy 6. Identifiers: Orphanet 199340, MedGen C2751831, MONDO:0013061, OMIM 612954.
Dilated cardiomyopathy 1HH (CMD1HH). Identifiers: Orphanet 154, MedGen C3151293, MONDO:0013479, OMIM 613881.
Cardiovascular phenotype. Identifiers: MedGen CN230736.

Allele frequency attached by ClinVar (database versions not stated): gnomAD 0.00001; TOPMed 0.00001; ESP Exome Variant Server 0.00008.
gnomAD v4.1: 49 of 1,612,740 alleles (0.003%); highest among the groups gnomAD compares: Non-Finnish European, 0.004%; no homozygotes.

Submissions (3):

Labcorp Genetics (formerly Invitae), Labcorp
Classification: Uncertain significance for Dilated cardiomyopathy 1HH; Myofibrillar myopathy 6. Last evaluated: 2025-11-18. Review status: criteria provided, single submitter. Criteria: Invitae Variant Classification Sherloc (09022015). Collection method: clinical testing. Allele origin: germline.
Comment: This sequence change replaces valine, which is neutral and non-polar, with leucine, which is neutral and non-polar, at codon 154 of the BAG3 protein (p.Val154Leu). The frequency data for this variant in the population databases is considered unreliable, as metrics indicate poor data quality at this position in the gnomAD database. This variant has not been reported in the literature in individuals affected with BAG3-related conditions. ClinVar contains an entry for this variant (Variation ID: 385215). Invitae Evidence Modeling of protein sequence and biophysical properties (such as structural, functional, and spatial information, amino acid conservation, physicochemical variation, residue mobility, and thermodynamic stability) indicates that this missense variant is not expected to disrupt BAG3 protein function with a negative predictive value of 80%. In summary, the available evidence is currently insufficient to determine the role of this variant in disease. Therefore, it has been classified as a Variant of Uncertain Significance.

GeneDx
Classification: Uncertain significance. Last evaluated: 2022-06-08. Review status: criteria provided, single submitter. Criteria: GeneDx Variant Classification Process June 2021. Collection method: clinical testing. Allele origin: germline. Affected: yes.
Comment: Has not been previously published as pathogenic or benign to our knowledge; Not observed at a significant frequency in large population cohorts (gnomAD); In silico analysis supports that this missense variant does not alter protein structure/function; This variant is associated with the following publications: (PMID: 27854218)

Ambry Genetics
Classification: Uncertain significance for Cardiovascular phenotype. Last evaluated: 2019-01-09. Review status: criteria provided, single submitter. Criteria: Ambry Variant Classification Scheme 2023. Collection method: clinical testing. Allele origin: germline.
Comment: The p.V154L variant (also known as c.460G>C), located in coding exon 2 of the BAG3 gene, results from a G to C substitution at nucleotide position 460. The valine at codon 154 is replaced by leucine, an amino acid with highly similar properties. This amino acid position is poorly conserved in available vertebrate species. In addition, this alteration is predicted to be tolerated by in silico analysis. Since supporting evidence is limited at this time, the clinical significance of this alteration remains unclear.